The following is an entry in ClinVar:

ClinVar aggregate classification (germline): Pathogenic (1 of 4 stars; one submission).

Conditions:
Hereditary spastic paraplegia 4. Also called: Spastic paraplegia 4, autosomal dominant; Spastic Paraplegia 4; Familial spastic paraplegia autosomal dominant 2. Identifiers: Orphanet 100985, MedGen C1866855, MONDO:0008438, OMIM 182601.

Submission:

Labcorp Genetics (formerly Invitae), Labcorp
Classification: Pathogenic for Hereditary spastic paraplegia 4. Last evaluated: 2022-09-06. Review status: criteria provided, single submitter. Criteria: Invitae Variant Classification Sherloc (09022015). Collection method: clinical testing. Allele origin: germline.
Comment: A gross deletion of the genomic region encompassing the full coding sequence of the SPAST gene has been identified. Loss-of-function variants in SPAST are known to be pathogenic (PMID: 20932283). The boundaries of this event are unknown as they extend beyond the assayed region for this gene and therefore may encompass additional genes. A similar copy number variant has been observed in individual(s) with hereditary spastic paraplegia (PMID: 25421405). For these reasons, this variant has been classified as Pathogenic.

Literature cited by the submitters: PubMed 20932283; PubMed 25421405.

NC_000002.11:g.(?_32288901)_(32379565_?)del

Gene: SPAST (spastin; plus strand). Cytogenetic location: 2p22.3.
Variant type: Deletion.
Identifiers: ClinVar variation 1456443 (VCV001456443.4).